The following is an entry in ClinVar:

NM_001378454.1(ALMS1):c.9540-1_9540del

Gene: ALMS1 (ALMS1 centrosome and basal body associated protein; plus strand). Cytogenetic location: 2p13.1.
Variant type: Deletion.
Coding change: c.9540-1_9540del on transcript NM_001378454.1 (MANE Select); the canonical splice acceptor site of the intron before coding-DNA position 9540 through coding-DNA position 9540, 2 bases deleted (GA; older notation c.9540-1_9540delGA).
Molecular consequence: splice acceptor variant.
Genome position (GRCh38, 1-based): chr2:73,519,774-73,519,775, GA deleted; deleting any 2 consecutive bases within chr2:73,519,773-73,519,775 gives the same sequence; the c. name uses the placement nearest the transcript's 3' end. VCF-style (leftmost placement, unchanged base first): chr2-73519772-CAG-C. GRCh37 (hg19) VCF-style: chr2-73746899-CAG-C.
Other names: c.9543-1_9543del (NM_015120.4); c.9540-1_9540del (NM_015120.4).
Identifiers: ClinVar variation 4815809 (VCV004815809.1).
Genomic context (GRCh38, chr2:73,519,772, plus strand): 5'-AGAGATTTCAGTCTCTAATGGCCAAGGATATAATCTGCTGTATTCTTTCTCTTTTTTGGT[CAG>C]ATTACCAGAGAAGATGAAGACCCCACTTTCTGCTTTCTCTGAAAAATTGTCATCTGATGC-3'

ClinVar aggregate classification (germline): Likely pathogenic (1 of 4 stars; one submission).

Conditions:
Alstrom syndrome (ALMS). Identifiers: Orphanet 64, MedGen C0268425, MONDO:0008763, OMIM 203800.

Submission:

Natera, Inc.
Classification: Likely pathogenic for Alstrom syndrome. Last evaluated: 2025-11-07. Review status: criteria provided, single submitter. Criteria: Natera Variant Classification Schema (03/2026). Collection method: clinical testing. Allele origin: germline.
Comment: The c.9543-1_9543del variant in ALMS1 is a canonical splice acceptor site variant predicted to affect pre-mRNA splicing, which may result in an abnormal transcript and altered protein product. This variant is expected to result in nonsense mediated decay, truncation, or a dysfunctional protein product. This variant is rare in the general population with a frequency below the threshold expected for the associated phenotype(s). Given the available evidence, this variant is classified as Likely Pathogenic.